The following is an entry in ClinVar:

ClinVar aggregate classification (germline): Uncertain significance. Review status: criteria provided, multiple submitters, no conflicts (2 of 4 stars). 4 submissions from 4 submitters: Uncertain significance (4). Last evaluated 2025-02-27.

Conditions:
GSDME-related disorder. Also called: GSDME-related condition.
Autosomal dominant nonsyndromic hearing loss 5. Identifiers: Orphanet 90635, MedGen C1832932, MONDO:0010973, OMIM 600994.

Allele frequency attached by ClinVar (database versions not stated): gnomAD 0.00001; TOPMed 0.00003; gnomAD exomes 0.00005 and 0.00007; ExAC 0.00007.
gnomAD v4.1: 103 of 1,614,026 alleles (0.0064%); highest among the groups gnomAD compares: Non-Finnish European, 0.0082%; no homozygotes.

Submissions (4):

Labcorp Genetics (formerly Invitae), Labcorp
Classification: Uncertain significance. Last evaluated: 2025-02-27. Review status: criteria provided, single submitter. Criteria: Invitae Variant Classification Sherloc (09022015). Collection method: clinical testing. Allele origin: germline.
Comment: This sequence change replaces lysine, which is basic and polar, with glutamic acid, which is acidic and polar, at codon 83 of the DFNA5 protein (p.Lys83Glu). This variant is present in population databases (rs777453610, gnomAD 0.01%). This variant has not been reported in the literature in individuals affected with DFNA5-related conditions. ClinVar contains an entry for this variant (Variation ID: 911249). Invitae Evidence Modeling of protein sequence and biophysical properties (such as structural, functional, and spatial information, amino acid conservation, physicochemical variation, residue mobility, and thermodynamic stability) indicates that this missense variant is not expected to disrupt DFNA5 protein function with a negative predictive value of 80%. In summary, the available evidence is currently insufficient to determine the role of this variant in disease. Therefore, it has been classified as a Variant of Uncertain Significance.

PreventionGenetics, part of Exact Sciences
Classification: Uncertain significance for GSDME-related condition. Last evaluated: 2024-10-18. Review status: criteria provided, single submitter. Criteria: ACMG Guidelines, 2015. Collection method: clinical testing. Allele origin: germline.
Comment: The GSDME c.247A>G variant is predicted to result in the amino acid substitution p.Lys83Glu. To our knowledge, this variant has not been reported in the literature. This variant is reported in 0.0086% of alleles in individuals of European (Non-Finnish) descent in gnomAD. At this time, the clinical significance of this variant is uncertain due to the absence of conclusive functional and genetic evidence.

GeneDx
Classification: Uncertain significance. Last evaluated: 2021-07-16. Review status: criteria provided, single submitter. Criteria: GeneDx Variant Classification Process June 2021. Collection method: clinical testing. Allele origin: germline. Affected: yes.
Comment: In silico analysis, which includes protein predictors and evolutionary conservation, supports that this variant does not alter protein structure/function; Has not been previously published as pathogenic or benign to our knowledge; This variant is associated with the following publications: (PMID: 27535533)

Illumina Laboratory Services, Illumina
Classification: Uncertain significance for Autosomal dominant nonsyndromic hearing loss 5. Last evaluated: 2018-01-12. Review status: criteria provided, single submitter. Criteria: ICSL Variant Classification Criteria 13 December 2019. Collection method: clinical testing. Allele origin: germline.

NM_001127453.2(GSDME):c.247A>G (p.Lys83Glu)

Gene: GSDME (gasdermin E; minus strand). Cytogenetic location: 7p15.3.
Variant type: single nucleotide variant.
Coding change: c.247A>G on transcript NM_001127453.2 (MANE Select); coding-DNA position 247, A replaced by G.
Protein change: p.Lys83Glu; replaces lysine 83 with glutamic acid.
Molecular consequence: missense variant. On other transcripts: 5 prime UTR variant (1).
Genome position (GRCh38, 1-based): chr7:24,744,719, T>C on the plus strand (A>G on the coding strand, the complement: GSDME is on the minus strand). VCF-style: chr7-24744719-T-C. GRCh37 (hg19) VCF-style: chr7-24784338-T-C.
Other names: c.-246A>G (NM_001127454.2); c.247A>G, p.Lys83Glu (NM_004403.3); short protein forms K83E.
Identifiers: ClinVar variation 911249 (VCV000911249.9), dbSNP rs777453610, ClinGen allele CA4191790.